The following is an entry in ClinVar:

ClinVar aggregate classification (germline): Uncertain significance. Review status: criteria provided, multiple submitters, no conflicts (2 of 4 stars). 2 submissions from 2 submitters: Uncertain significance (2). Last evaluated 2021-05-24.

Conditions:
Charcot-Marie-Tooth disease type 4. Also called: Charcot-Marie-Tooth, Type 4; Charcot-Marie-Tooth disease, type IV. Identifiers: Orphanet 64749, MedGen C4082197, MONDO:0018995.
Amyotrophic lateral sclerosis type 11 (ALS11). Identifiers: Orphanet 803, MedGen C2675491, MONDO:0012945, OMIM 612577.

gnomAD v4.1: 19 of 1,612,678 alleles (0.0012%); highest among the groups gnomAD compares: Non-Finnish European, 0.0015%; no homozygotes.

Submissions (2):

Genetics and Molecular Pathology, SA Pathology
Classification: Uncertain significance for Amyotrophic lateral sclerosis type 11. Last evaluated: 2021-05-24. Review status: criteria provided, single submitter. Criteria: ACMG Guidelines, 2015. Collection method: clinical testing. Allele origin: germline. Inheritance: Autosomal dominant inheritance. Affected: yes.

Labcorp Genetics (formerly Invitae), Labcorp
Classification: Uncertain significance for Charcot-Marie-Tooth disease type 4. Last evaluated: 2021-04-29. Review status: criteria provided, single submitter. Criteria: Invitae Variant Classification Sherloc (09022015). Collection method: clinical testing. Allele origin: germline.
Comment: Algorithms developed to predict the effect of missense changes on protein structure and function (SIFT, PolyPhen-2, Align-GVGD) all suggest that this variant is likely to be tolerated, but these predictions have not been confirmed by published functional studies and their clinical significance is uncertain. This variant has been observed in individual(s) with amyotrophic lateral sclerosis (PMID: 26742954). This variant is not present in population databases (ExAC no frequency). This sequence change replaces isoleucine with valine at codon 133 of the FIG4 protein (p.Ile133Val). The isoleucine residue is highly conserved and there is a small physicochemical difference between isoleucine and valine. In summary, the available evidence is currently insufficient to determine the role of this variant in disease. Therefore, it has been classified as a Variant of Uncertain Significance.

Literature cited by the submitters: PubMed 26742954 (cited by Labcorp Genetics (formerly Invitae), Labcorp).

NM_014845.6(FIG4):c.397A>G (p.Ile133Val)

Gene: FIG4 (FIG4 phosphoinositide 5-phosphatase; plus strand). Cytogenetic location: 6q21.
Variant type: single nucleotide variant.
Coding change: c.397A>G on transcript NM_014845.6 (MANE Select); coding-DNA position 397, A replaced by G.
Protein change: p.Ile133Val; replaces isoleucine 133 with valine.
Molecular consequence: missense variant.
Genome position (GRCh38, 1-based): chr6:109,727,216, A>G. VCF-style: chr6-109727216-A-G. GRCh37 (hg19) VCF-style: chr6-110048419-A-G.
Other names: short protein forms I133V.
Identifiers: ClinVar variation 1515492 (VCV001515492.8), dbSNP rs777011122, ClinGen allele CA145127448.
Genomic context (GRCh38, chr6:109,727,216, plus strand): 5'-AGGAGGAAGATGGCGGATATTGGAGGTCATGCAATCTATAAGGTCGAAGATACAAATATG[A>G]TCTATATACCCAATGATTCTGTACGGGTTACTCATCCTGATGAAGCTAGGTATGTATGGT-3'
Protein context (NP_055660.1, residues 123-143): AIYKVEDTNM[Ile133Val]YIPNDSVRVT